The following is an entry in ClinVar:

ClinVar aggregate classification (germline): Conflicting classifications of pathogenicity. Review status: criteria provided, conflicting classifications (1 of 4 stars). 8 submissions from 8 submitters: Uncertain significance (5); Likely benign (2). 1 of the submissions does not count toward it. Last evaluated 2026-01-28.

Conditions:
Glycogen storage disease, type II (IOPD). Also called: Glucosidase acid-1,4-alpha deficiency; Glycogen storage disease type 2; Acid maltase deficiency disease; Aglucosidase alfa; Deficiency of alpha-glucosidase; Deficiency of lysosomal alpha-glucosidase. Identifiers: Orphanet 365, MedGen C0017921, MONDO:0009290, OMIM 232300.

Allele frequency attached by ClinVar (database versions not stated): gnomAD 0.00008 and 0.00009; TOPMed 0.00014; gnomAD exomes 0.00025; ExAC 0.00033.
gnomAD v4.1: 93 of 1,609,978 alleles (0.0058%); highest among the groups gnomAD compares: East Asian, 0.12%; no homozygotes.

Submissions (8):

Labcorp Genetics (formerly Invitae), Labcorp
Classification: Likely benign for Glycogen storage disease, type II. Last evaluated: 2026-01-28. Review status: criteria provided, single submitter. Criteria: Invitae Variant Classification Sherloc (09022015). Collection method: clinical testing. Allele origin: germline.

ARUP Laboratories, Molecular Genetics and Genomics, ARUP Laboratories
Classification: Uncertain significance for Glycogen storage disease, type II. Last evaluated: 2024-10-21. Review status: criteria provided, single submitter. Criteria: ARUP Molecular Germline Variant Investigation Process 2024. Collection method: clinical testing. Allele origin: germline.
Comment: The GAA c.1265G>A; p.Arg422Gln variant (rs2229224), to our knowledge, is not reported in the medical literature but is reported in ClinVar (Variation ID: 284246). This variant is found predominantly in the East Asian population with an allele frequency of 0.34% (65/19404 alleles) in the Genome Aggregation Database (v2.1.1). Computational analyses are uncertain whether this variant is neutral or deleterious (REVEL: 0.245). Due to limited information, the clinical significance of this variant is uncertain at this time.

Blueprint Genetics
Classification: Likely benign. Last evaluated: 2024-08-30. Review status: criteria provided, single submitter. Criteria: ACMG Guidelines, 2015. Collection method: clinical testing. Allele origin: germline.

Genome-Nilou Lab
Classification: Uncertain significance for Glycogen storage disease, type II. Last evaluated: 2021-07-22. Review status: criteria provided, single submitter. Criteria: ACMG Guidelines, 2015. Collection method: clinical testing. Allele origin: germline. Affected: no.

Broad Center for Mendelian Genomics, Broad Institute of MIT and Harvard
Classification: Uncertain significance for Glycogen storage disease, type II. Last evaluated: 2020-01-22. Review status: criteria provided, single submitter. Criteria: ACMG Guidelines, 2015. Collection method: curation. Allele origin: germline. Inheritance: Autosomal recessive inheritance.
Comment: The c.1265G>A variant in GAA has not been previously reported in the literature in individuals with Glycogen Storage Disease II but has been reported as a VUS by EGL and a likely benign variant by Invitae in ClinVar (Variation ID: 284246). This variant has been identified in 0.335% (65/19404) of East Asian chromosomes, 0.007% (2/29876) of South Asian chromosomes, and 0.004% (1/23700) of African chromosomes by the Genome Aggregation Database (gnomAD; dbSNP rs2229224). Although this variant has been seen in the general population, its frequency is not high enough to rule out a pathogenic role. Computational prediction tools and conservation analyses suggest that this variant may not impact the protein, though this information is not predictive enough to rule out pathogenicity. One additional variant at the the same position, p.Arg422Trp, has been reported a VUS by EGL and likely benign by Invitae in ClinVar (Variation ID: 456371). In summary, while the clinical significance of the c.1265G>A variant is uncertain, these data suggest that it is more likely to be benign. ACMG/AMP Criteria applied: BP4 (Richards 2015).

Illumina Laboratory Services, Illumina
Classification: Uncertain significance for Glycogen storage disease, type II. Last evaluated: 2017-04-27. Review status: criteria provided, single submitter. Criteria: ICSL Variant Classification Criteria 13 December 2019. Collection method: clinical testing. Allele origin: germline.

Eurofins Ntd Llc (ga)
Classification: Uncertain significance. Last evaluated: 2015-10-22. Review status: criteria provided, single submitter. Criteria: EGL Classification Definitions 2015. Collection method: clinical testing. Allele origin: germline. Observed: 3 variant alleles, 3 heterozygotes.

Natera, Inc.
Classification: Likely benign for Glycogen storage disease type II. Last evaluated: 2020-02-24. Review status: no assertion criteria provided. Collection method: clinical testing. Allele origin: germline. Not counted in ClinVar's aggregate classification.

NM_000152.5(GAA):c.1265G>A (p.Arg422Gln)

Gene: GAA (alpha glucosidase; plus strand). Cytogenetic location: 17q25.3.
Variant type: single nucleotide variant.
Coding change: c.1265G>A on transcript NM_000152.5 (MANE Select); coding-DNA position 1265, G replaced by A.
Protein change: p.Arg422Gln; replaces arginine 422 with glutamine.
Molecular consequence: missense variant.
Genome position (GRCh38, 1-based): chr17:80,108,767, G>A. VCF-style: chr17-80108767-G-A. GRCh37 (hg19) VCF-style: chr17-78082566-G-A.
Other names: c.1265G>A (LRG_673t1); c.1265G>A, p.Arg422Gln (NM_001079803.3, NM_001079804.3); short protein forms R422Q.
Identifiers: ClinVar variation 284246 (VCV000284246.32), dbSNP rs2229224, ClinGen allele CA8815245.